The following is an entry in ClinVar:

NM_024649.5(BBS1):c.1067G>A (p.Arg356His)

Genes: BBS1 (Bardet-Biedl syndrome 1; plus strand), ZDHHC24 (zDHHC palmitoyltransferase 24; minus strand). Cytogenetic location: 11q13.2.
Variant type: single nucleotide variant.
Coding change: c.1067G>A on transcript NM_024649.5 (MANE Select); coding-DNA position 1067, G replaced by A.
Protein change: p.Arg356His; replaces arginine 356 with histidine.
Molecular consequence: missense variant. On other transcripts: intron variant (1).
Genome position (GRCh38, 1-based): chr11:66,523,839, G>A. VCF-style: chr11-66523839-G-A. GRCh37 (hg19) VCF-style: chr11-66291310-G-A.
Other names: c.*22-2373C>T (NM_001348571.2); c.1067G>A (NM_024649.4); short protein forms R356H.
Identifiers: ClinVar variation 1003083 (VCV001003083.11), dbSNP rs771291825, ClinGen allele CA6123602.

ClinVar aggregate classification (germline): Uncertain significance. Review status: criteria provided, multiple submitters, no conflicts (2 of 4 stars). 4 submissions from 4 submitters: Uncertain significance (3). 1 of the submissions does not count toward it. Last evaluated 2026-04-10.

Conditions:
BBS1-related disorder. Also called: BBS1-related condition.
Bardet-Biedl syndrome (BBS). Identifiers: Orphanet 110, MedGen C0752166, MONDO:0015229.
Bardet-Biedl syndrome 1 (BBS1). Identifiers: MedGen C2936862, MONDO:0008854, OMIM 209900. Disease mechanism: loss of function.

Allele frequency attached by ClinVar (database versions not stated): gnomAD 0.00003; TOPMed 0.00003.
gnomAD v4.1: 24 of 1,613,476 alleles (0.0015%); highest among the groups gnomAD compares: African/African-American, 0.004%; no homozygotes.

Submissions (4):

PreventionGenetics, part of Exact Sciences
Classification: Uncertain significance for BBS1-related condition. Last evaluated: 2026-04-10. Review status: criteria provided, single submitter. Criteria: ACMG Guidelines, 2015. Collection method: clinical testing. Allele origin: germline.
Comment: The BBS1 c.1067G>A variant is predicted to result in the amino acid substitution p.Arg356His. To our knowledge, this variant has not been reported in the literature. This variant is reported in 0.0065% of alleles in individuals of South Asian descent in gnomAD. At this time, the clinical significance of this variant is uncertain due to the absence of conclusive functional and genetic evidence.

Labcorp Genetics (formerly Invitae), Labcorp
Classification: Uncertain significance for Bardet-Biedl syndrome. Last evaluated: 2022-06-20. Review status: criteria provided, single submitter. Criteria: Invitae Variant Classification Sherloc (09022015). Collection method: clinical testing. Allele origin: germline.
Comment: This sequence change replaces arginine, which is basic and polar, with histidine, which is basic and polar, at codon 356 of the BBS1 protein (p.Arg356His). This variant is present in population databases (rs771291825, gnomAD 0.004%). This variant has not been reported in the literature in individuals affected with BBS1-related conditions. ClinVar contains an entry for this variant (Variation ID: 1003083). Algorithms developed to predict the effect of missense changes on protein structure and function (SIFT, PolyPhen-2, Align-GVGD) all suggest that this variant is likely to be tolerated. In summary, the available evidence is currently insufficient to determine the role of this variant in disease. Therefore, it has been classified as a Variant of Uncertain Significance.

Breakthrough Genomics
Classification: Uncertain significance. Review status: criteria provided, single submitter. Criteria: ACMG Guidelines, 2015. Collection method: not provided. Allele origin: germline. Inheritance: Autosomal recessive inheritance. Affected: yes.

Natera, Inc.
Classification: Uncertain significance for Bardet-Biedl syndrome type 1. Last evaluated: 2021-06-10. Review status: no assertion criteria provided. Collection method: clinical testing. Allele origin: germline. Not counted in ClinVar's aggregate classification.